The following is an entry in ClinVar:

NM_022552.5(DNMT3A):c.1785G>C (p.Leu595=)

Gene: DNMT3A (DNA methyltransferase 3 alpha; minus strand). Cytogenetic location: 2p23.3.
Variant type: single nucleotide variant.
Coding change: c.1785G>C on transcript NM_022552.5 (MANE Select); coding-DNA position 1785, G replaced by C.
Protein change: p.Leu595=; no amino-acid change (leucine 595 retained).
Molecular consequence: synonymous variant. On other transcripts: non-coding transcript variant (1).
Genome position (GRCh38, 1-based): chr2:25,244,221, C>G on the plus strand (G>C on the coding strand, the complement: DNMT3A is on the minus strand). VCF-style: chr2-25244221-C-G. GRCh37 (hg19) VCF-style: chr2-25467090-C-G.
Other names: c.1329G>C, p.Leu443= (NM_001320893.1); c.1116G>C, p.Leu372= (NM_001375819.1); c.1218G>C, p.Leu406= (NM_153759.3); c.1785G>C, p.Leu595= (NM_175629.2).
Identifiers: ClinVar variation 3353894 (VCV003353894.1).

ClinVar aggregate classification (germline): Likely benign (0 of 4 stars; one submission).

Conditions:
DNMT3A-related disorder. Also called: DNMT3A-related disorders; DNMT3A-related condition.

Submission:

PreventionGenetics, part of Exact Sciences
Classification: Likely benign for DNMT3A-related condition. Last evaluated: 2024-05-15. Review status: no assertion criteria provided. Collection method: clinical testing. Allele origin: germline.
Comment: This variant is classified as likely benign based on ACMG/AMP sequence variant interpretation guidelines (Richards et al. 2015 PMID: 25741868, with internal and published modifications).